The following is an entry in ClinVar:

NM_001123385.2(BCOR):c.2646T>C (p.Ser882=)

Gene: BCOR (BCL6 corepressor; minus strand). Cytogenetic location: Xp11.4.
Variant type: single nucleotide variant.
Coding change: c.2646T>C on transcript NM_001123385.2 (MANE Select); coding-DNA position 2646, T replaced by C.
Protein change: p.Ser882=; no amino-acid change (serine 882 retained).
Molecular consequence: synonymous variant.
Genome position (GRCh38, 1-based): chrX:40,072,700, A>G on the plus strand (T>C on the coding strand, the complement: BCOR is on the minus strand). VCF-style: chrX-40072700-A-G. GRCh37 (hg19) VCF-style: chrX-39931953-A-G.
Other names: c.2646T>C, p.Ser882= (NM_001123383.2, NM_001123384.2, NM_017745.6).
Identifiers: ClinVar variation 2660311 (VCV002660311.24), dbSNP rs774813738, ClinGen allele CA10386758.

ClinVar aggregate classification (germline): Likely benign (1 of 4 stars; one submission).

Allele frequency attached by ClinVar (database versions not stated): gnomAD exomes below 0.00001; ExAC 0.00001; gnomAD 0.00001; TOPMed 0.00002.
gnomAD v4.1: 4 of 1,210,390 alleles (0.00033%); highest among the groups gnomAD compares: East Asian, 0.003%; no homozygotes.

Submission:

CeGaT Center for Human Genetics Tuebingen
Classification: Likely benign. Last evaluated: 2023-02-01. Review status: criteria provided, single submitter. Criteria: CeGaT Center For Human Genetics Tuebingen Variant Classification Criteria Version 2. Collection method: clinical testing. Allele origin: germline. Affected: yes. Observed: 1 variant allele.
Comment: BCOR: BP4, BP7